The following is an entry in ClinVar:

ClinVar aggregate classification (germline): Uncertain significance. Review status: criteria provided, multiple submitters, no conflicts (2 of 4 stars). 3 submissions from 3 submitters: Uncertain significance (3). Last evaluated 2025-10-18.

Conditions:
Inborn genetic diseases. Identifiers: MedGen C0950123, MeSH D030342.

Allele frequency attached by ClinVar (database versions not stated): ExAC 0.00001; TOPMed 0.00002; gnomAD 0.00003.
gnomAD v4.1: 31 of 1,611,846 alleles (0.0019%); highest among the groups gnomAD compares: South Asian, 0.0078%; no homozygotes.

Submissions (3):

Ambry Genetics
Classification: Uncertain significance for Inborn genetic diseases. Last evaluated: 2025-10-18. Review status: criteria provided, single submitter. Criteria: Ambry Variant Classification Scheme 2023. Collection method: clinical testing. Allele origin: germline.

CeGaT Center for Human Genetics Tuebingen
Classification: Uncertain significance. Last evaluated: 2025-07-01. Review status: criteria provided, single submitter. Criteria: CeGaT Center For Human Genetics Tuebingen Variant Classification Criteria Version 2. Collection method: clinical testing. Allele origin: germline. Affected: yes. Observed: 1 variant allele.
Comment: MCM3AP: PM2, BP4

Labcorp Genetics (formerly Invitae), Labcorp
Classification: Uncertain significance. Last evaluated: 2022-04-30. Review status: criteria provided, single submitter. Criteria: Invitae Variant Classification Sherloc (09022015). Collection method: clinical testing. Allele origin: germline.
Comment: In summary, the available evidence is currently insufficient to determine the role of this variant in disease. Therefore, it has been classified as a Variant of Uncertain Significance. Algorithms developed to predict the effect of missense changes on protein structure and function output the following: SIFT: "Tolerated"; PolyPhen-2: "Benign"; Align-GVGD: "Class C0". The isoleucine amino acid residue is found in multiple mammalian species, which suggests that this missense change does not adversely affect protein function. This variant has not been reported in the literature in individuals affected with MCM3AP-related conditions. This variant is present in population databases (rs758257201, gnomAD 0.003%). This sequence change replaces valine, which is neutral and non-polar, with isoleucine, which is neutral and non-polar, at codon 974 of the MCM3AP protein (p.Val974Ile).

NM_003906.5(MCM3AP):c.2920G>A (p.Val974Ile)

Gene: MCM3AP (minichromosome maintenance complex component 3 associated protein; minus strand). Cytogenetic location: 21q22.3.
Variant type: single nucleotide variant.
Coding change: c.2920G>A on transcript NM_003906.5 (MANE Select); coding-DNA position 2920, G replaced by A.
Protein change: p.Val974Ile; replaces valine 974 with isoleucine.
Molecular consequence: missense variant.
Genome position (GRCh38, 1-based): chr21:46,266,036, C>T on the plus strand (G>A on the coding strand, the complement: MCM3AP is on the minus strand). VCF-style: chr21-46266036-C-T. GRCh37 (hg19) VCF-style: chr21-47685950-C-T.
Other names: c.2920G>A (NM_003906.3); short protein forms V974I.
Identifiers: ClinVar variation 1899323 (VCV001899323.11), dbSNP rs758257201, ClinGen allele CA10076690.
Genomic context (GRCh38, chr21:46,266,036, plus strand): 5'-GGCTCTCCCCGATGTACTTGTTCTGGGAGTTGAAGCTGCACACAGGGGTATGACGAGGGA[C>T]GGGGGGCAATGGCCCTCCGTTCACAATTTCCCCGACTGACACCGTCAGCTTCCTAGTAAT-3'
Protein context (NP_003897.2, residues 964-984): EIVNGGPLPP[Val974Ile]PRHTPVCSFN